The following is an entry in ClinVar:

ClinVar aggregate classification (germline): Conflicting classifications of pathogenicity. Review status: criteria provided, conflicting classifications (1 of 4 stars). 3 submissions from 3 submitters: Pathogenic (2); Uncertain significance (1). Last evaluated 2023-04-10.

Conditions:
RYR1-related disorder. Also called: RYR1-related disorders; RYR1-related condition. Identifiers: MedGen CN239331.
Malignant hyperthermia, susceptibility to, 1 (MHS1). Also called: Anesthesia related hyperthermia; Malignant hyperpyrexia; Fulminating hyperpyrexia; Pharmacogenic myopathy; Malignant hyperthermia suceptibility 1; RYR1-Related Malignant Hyperthermia Susceptibility. Identifiers: Orphanet 423, MedGen C2930980, MONDO:0007783, OMIM 145600.

Submissions (3):

All of Us Research Program, National Institutes of Health
Classification: Uncertain significance for Malignant hyperthermia, susceptibility to, 1. Last evaluated: 2023-04-10. Review status: criteria provided, single submitter. Criteria: ACMG Guidelines, 2015. Collection method: clinical testing. Allele origin: germline. Inheritance: Autosomal dominant inheritance. Observed: 1 variant allele, 1 heterozygote.
Comment: This variant inserts 10 nucleotides in exon 13 of the RYR1 gene, creating a frameshift and premature translation stop signal. This variant is expected to result in an absent or non-functional protein product.This variant has not been reported in individuals affected with autosomal dominant malignant hyperthermia in the literature, although it is associated with other phenotype(s) (ClinVar Variation ID: 844796). This variant has not been identified in the general population by the Genome Aggregation Database (gnomAD). Loss of RYR1 function due to haploinsufficiency is not an established disease mechanism for autosomal dominant malignant hyperthermia. Due to insufficient evidence, this variant is classified as a Variant of Uncertain Significance for autosomal dominant malignant hyperthermia.

This study involves interpretation of variants in research participants for the purpose of population health screening. Participant phenotype was not available at the time of variant classification. Additional details can be found in publication PMID: 35346344, PMCID: PMC8962531

GeneDx
Classification: Pathogenic. Last evaluated: 2022-11-14. Review status: criteria provided, single submitter. Criteria: GeneDx Variant Classification Process June 2021. Collection method: clinical testing. Allele origin: germline. Affected: yes.
Comment: Frameshift variant predicted to result in protein truncation or nonsense mediated decay in a gene for which loss of function is a known mechanism of disease; Not observed at significant frequency in large population cohorts (gnomAD); Has not been previously published as pathogenic or benign to our knowledge

Labcorp Genetics (formerly Invitae), Labcorp
Classification: Pathogenic for RYR1-related disorder. Last evaluated: 2022-09-01. Review status: criteria provided, single submitter. Criteria: Invitae Variant Classification Sherloc (09022015). Collection method: clinical testing. Allele origin: germline.
Comment: For these reasons, this variant has been classified as Pathogenic. ClinVar contains an entry for this variant (Variation ID: 844796). This variant has not been reported in the literature in individuals affected with RYR1-related conditions. This variant is not present in population databases (gnomAD no frequency). This sequence change creates a premature translational stop signal (p.Gly426Glufs*82) in the RYR1 gene. It is expected to result in an absent or disrupted protein product. Loss-of-function variants in RYR1 are known to be pathogenic (PMID: 20583297, 20839240, 23919265, 28818389).

Literature cited by the submitters: PubMed 20583297 (cited by Labcorp Genetics (formerly Invitae), Labcorp); PubMed 20839240 (cited by Labcorp Genetics (formerly Invitae), Labcorp); PubMed 23919265 (cited by Labcorp Genetics (formerly Invitae), Labcorp); PubMed 28818389 (cited by Labcorp Genetics (formerly Invitae), Labcorp).

NM_000540.3(RYR1):c.1267_1276dup (p.Gly426fs)

Gene: RYR1 (ryanodine receptor 1; plus strand). Cytogenetic location: 19q13.2.
Variant type: Duplication.
Coding change: c.1267_1276dup on transcript NM_000540.3 (MANE Select); coding-DNA positions 1267 to 1276, 10 bases duplicated (AAGCCACGGG; older notation c.1267_1276dupAAGCCACGGG).
Protein change: p.Gly426fs; shifts the reading frame from glycine 426.
Molecular consequence: frameshift variant.
Genome position (GRCh38, 1-based): chr19:38,452,841-38,452,850, AAGCCACGGG duplicated; duplicating any 10 consecutive bases within chr19:38,452,837-38,452,850 gives the same sequence; the c. name uses the placement nearest the transcript's 3' end. VCF-style (leftmost placement, unchanged base first): chr19-38452836-G-GCGGGAAGCCA. GRCh37 (hg19) VCF-style: chr19-38943476-G-GCGGGAAGCCA.
Other names: c.1267_1276dup, p.Gly426fs (NM_001042723.2); short protein forms G426fs.
Identifiers: ClinVar variation 844796 (VCV000844796.9), dbSNP rs1967149532, ClinGen allele CA916082458.